The following is an entry in ClinVar:

ClinVar aggregate classification (germline): Uncertain significance (1 of 4 stars; one submission).

Submission:

Ambry Genetics
Classification: Uncertain significance. Last evaluated: 2023-06-09. Review status: criteria provided, single submitter. Criteria: Ambry Variant Classification Scheme 2023. Collection method: clinical testing. Allele origin: germline.
Comment: The p.M336V variant (also known as c.1006A>G), located in coding exon 3 of the ALPK2 gene, results from an A to G substitution at nucleotide position 1006. The methionine at codon 336 is replaced by valine, an amino acid with highly similar properties. This amino acid position is conserved. In addition, this alteration is predicted to be tolerated by in silico analysis. Since supporting evidence is limited at this time, the clinical significance of this alteration remains unclear.

NM_052947.4(ALPK2):c.1006A>G (p.Met336Val)

Genes: ALPK2 (alpha kinase 2; minus strand), LOC114803473 (ALPK2 eExon liver enhancer; plus strand). Cytogenetic location: 18q21.31.
Variant type: single nucleotide variant.
Coding change: c.1006A>G on transcript NM_052947.4 (MANE Select); coding-DNA position 1006, A replaced by G.
Protein change: p.Met336Val; replaces methionine 336 with valine.
Molecular consequence: missense variant.
Genome position (GRCh38, 1-based): chr18:58,579,770, T>C on the plus strand (A>G on the coding strand, the complement: ALPK2 is on the minus strand). VCF-style: chr18-58579770-T-C. GRCh37 (hg19) VCF-style: chr18-56247002-T-C.
Other names: short protein forms M336V.
Identifiers: ClinVar variation 2564119 (VCV002564119.2), dbSNP rs2518899580, ClinGen allele CA402565139.